The following is an entry in ClinVar:

ClinVar aggregate classification (germline): Conflicting classifications of pathogenicity. Review status: criteria provided, conflicting classifications (1 of 4 stars). 3 submissions from 3 submitters: Uncertain significance (1); Likely benign (2). Last evaluated 2025-12-29.

Conditions:
Hereditary cancer-predisposing syndrome. Also called: Hereditary Cancer Syndrome; Hereditary neoplastic syndrome; Neoplastic Syndromes, Hereditary; Tumor predisposition. Identifiers: Orphanet 140162, MedGen C0027672, MeSH D009386, MONDO:0015356.
Familial cancer of breast. Also called: hereditary breast carcinoma; BREAST CANCER, FAMILIAL; Hereditary breast cancer. Identifiers: Orphanet 227535, MedGen C0346153, MONDO:0016419, OMIM 114480. Disease mechanism: loss of function.
Ataxia-telangiectasia syndrome (AT). Also called: Ataxia-telangiectasia, complementation group E; LOUIS-BAR SYNDROME; Cerebello-oculocutaneous telangiectasia; Immunodeficiency with ataxia telangiectasia; Ataxia-telangiectasia, complementation group D; AT, COMPLEMENTATION GROUP C. Identifiers: Orphanet 100, MedGen C0004135, MONDO:0008840, OMIM 208900.

Submissions (3):

Labcorp Genetics (formerly Invitae), Labcorp
Classification: Likely benign for Ataxia-telangiectasia syndrome. Last evaluated: 2025-12-29. Review status: criteria provided, single submitter. Criteria: Invitae Variant Classification Sherloc (09022015). Collection method: clinical testing. Allele origin: germline.

Myriad Genetics, Inc.
Classification: Likely benign for Familial cancer of breast. Last evaluated: 2024-05-14. Review status: criteria provided, single submitter. Criteria: Myriad Autosomal Dominant, Autosomal Recessive and X-Linked Classification Criteria (2023). Collection method: clinical testing. Allele origin: unknown.
Comment: This variant is considered likely benign. This variant is intronic and is not expected to impact mRNA splicing.

Color Diagnostics, LLC DBA Color Health
Classification: Uncertain significance for Hereditary cancer-predisposing syndrome. Last evaluated: 2018-11-02. Review status: criteria provided, single submitter. Criteria: ACMG Guidelines, 2015. Collection method: clinical testing. Allele origin: germline.

NM_000051.4(ATM):c.3285-14T>C

Gene: ATM (ATM serine/threonine kinase; plus strand). Cytogenetic location: 11q22.3.
Variant type: single nucleotide variant.
Coding change: c.3285-14T>C on transcript NM_000051.4 (MANE Select); 14 bases into the intron before coding-DNA position 3285, T replaced by C.
Molecular consequence: intron variant.
Genome position (GRCh38, 1-based): chr11:108,279,477, T>C. VCF-style: chr11-108279477-T-C. GRCh37 (hg19) VCF-style: chr11-108150204-T-C.
Other names: c.3285-14T>C (NM_001351834.2).
Identifiers: ClinVar variation 918651 (VCV000918651.11), dbSNP rs2082112216, ClinGen allele CA913187701.
Genomic context (GRCh38, chr11:108,279,477, plus strand): 5'-TGCTTTGGAAAGTAGGGTTTGAAATTAGAAAATTATTTCACTTTTTGTTTGTTTGTTTGC[T>C]TGCTTGTTTTAAGATTGTTCCAGGACACGAAGGGAGATTCTTCCAGGTTACTGAAAGCAC-3'